The following is an entry in ClinVar:

ClinVar aggregate classification (germline): Pathogenic/Likely pathogenic. Review status: criteria provided, multiple submitters, no conflicts (2 of 4 stars). 3 submissions from 3 submitters: Pathogenic (1); Likely pathogenic (2). Last evaluated 2024-04-08.

Conditions:
Hereditary cancer-predisposing syndrome. Also called: Tumor predisposition; Neoplastic Syndromes, Hereditary; Hereditary Cancer Syndrome; Hereditary neoplastic syndrome. Identifiers: Orphanet 140162, MedGen C0027672, MeSH D009386, MONDO:0015356.
Familial cancer of breast. Also called: Hereditary breast cancer; BREAST CANCER, FAMILIAL; hereditary breast carcinoma. Identifiers: Orphanet 227535, MedGen C0346153, MONDO:0016419, OMIM 114480. Disease mechanism: loss of function.
Ataxia-telangiectasia syndrome (AT). Also called: ATAXIA-TELANGIECTASIA, COMPLEMENTATION GROUP A; ATAXIA-TELANGIECTASIA, FRESNO VARIANT; Ataxia-telangiectasia; Ataxia-telangiectasia, complementation group D; AT, COMPLEMENTATION GROUP C; Ataxia-telangiectasia, complementation group E. Identifiers: Orphanet 100, MedGen C0004135, MONDO:0008840, OMIM 208900.

Submissions (3):

Labcorp Genetics (formerly Invitae), Labcorp
Classification: Likely pathogenic for Ataxia-telangiectasia syndrome. Last evaluated: 2024-04-08. Review status: criteria provided, single submitter. Criteria: Invitae Variant Classification Sherloc (09022015). Collection method: clinical testing. Allele origin: germline.
Comment: This sequence change affects a donor splice site in intron 50 of the ATM gene. It is expected to disrupt RNA splicing. Variants that disrupt the donor or acceptor splice site typically lead to a loss of protein function (PMID: 16199547), and loss-of-function variants in ATM are known to be pathogenic (PMID: 23807571, 25614872). This variant is not present in population databases (gnomAD no frequency). Disruption of this splice site has been observed in individual(s) with clinical features of ataxia-telangiectasia (PMID: 21665257). ClinVar contains an entry for this variant (Variation ID: 827094). Algorithms developed to predict the effect of sequence changes on RNA splicing suggest that this variant may disrupt the consensus splice site. In summary, the currently available evidence indicates that the variant is pathogenic, but additional data are needed to prove that conclusively. Therefore, this variant has been classified as Likely Pathogenic.

Myriad Genetics, Inc.
Classification: Likely pathogenic for Familial cancer of breast. Last evaluated: 2024-01-31. Review status: criteria provided, single submitter. Criteria: Myriad Autosomal Dominant, Autosomal Recessive and X-Linked Classification Criteria (2023). Collection method: clinical testing. Allele origin: unknown.
Comment: This variant is considered likely pathogenic. This variant occurs within a consensus splice junction and is predicted to result in abnormal mRNA splicing of either an out-of-frame exon or an in-frame exon necessary for protein stability and/or normal function.

Ambry Genetics
Classification: Pathogenic for Hereditary cancer-predisposing syndrome. Last evaluated: 2022-04-25. Review status: criteria provided, single submitter. Criteria: Ambry Variant Classification Scheme 2023. Collection method: clinical testing. Allele origin: germline.
Comment: The c.7515+1G>A intronic pathogenic mutation results from a G to A substitution one nucleotide after coding exon 49 of the ATM gene. Another alteration impacting the same donor site (c.7515+1G>T, also known as IVS52+1G>T) has been identified likely in trans with an ATM pathogenic mutation in an individual diagnosed with ataxia-telangiectasia (Micol R et al. J Allergy Clin Immunol, 2011 Aug;128:382-9.e1). This variant is considered to be rare based on population cohorts in the Genome Aggregation Database (gnomAD). In silico splice site analysis predicts that this alteration will weaken the native splice donor site. RNA studies have demonstrated that this alteration results in abnormal splicing in the set of samples tested (Ambry internal data). Alterations that disrupt the canonical splice site are expected to cause aberrant splicing, resulting in an abnormal protein or a transcript that is subject to nonsense-mediated mRNA decay. Based on the supporting evidence, this alteration is interpreted as a disease-causing mutation.

Literature cited by the submitters: PubMed 16199547 (cited by Labcorp Genetics (formerly Invitae), Labcorp); PubMed 23807571 (cited by Labcorp Genetics (formerly Invitae), Labcorp); PubMed 25614872 (cited by Labcorp Genetics (formerly Invitae), Labcorp); PubMed 21665257 (cited by Labcorp Genetics (formerly Invitae), Labcorp and Ambry Genetics).

NM_000051.4(ATM):c.7515+1G>A

Genes: ATM (ATM serine/threonine kinase; plus strand), C11orf65 (chromosome 11 open reading frame 65; minus strand). Cytogenetic location: 11q22.3.
Variant type: single nucleotide variant.
Coding change: c.7515+1G>A on transcript NM_000051.4 (MANE Select); the canonical splice donor site of the intron after coding-DNA position 7515, G replaced by A.
Molecular consequence: splice donor variant. On other transcripts: intron variant (2).
Genome position (GRCh38, 1-based): chr11:108,330,422, G>A. VCF-style: chr11-108330422-G-A. GRCh37 (hg19) VCF-style: chr11-108201149-G-A.
Other names: c.7515+1G>A (NM_001351834.2); c.641-21351C>T (NM_001330368.2); c.*38+4798C>T (NM_001351110.2).
Identifiers: ClinVar variation 827094 (VCV000827094.11), dbSNP rs1591161831, ClinGen allele CA382560617.
Genomic context (GRCh38, chr11:108,330,422, plus strand): 5'-CGACTTTGTTCCCTCTGGCTTGAAAATTCTGGAGTTTCTGAAGTCAATGGCATGATGAAG[G>A]CAAGTGTTACTCAGCCCAATATTCTACCCTGTGCTTGAAAAACTTAGACATAAGCCCCTT-3'